The following is an entry in ClinVar:

ClinVar aggregate classification (germline): Pathogenic (1 of 4 stars; one submission).

Conditions:
Joubert syndrome and related disorders. Identifiers: Orphanet 140874, MedGen C5679612, MONDO:0015369.

Submission:

Myriad Genetics, Inc.
Classification: Pathogenic for Joubert syndrome and related disorders. Last evaluated: 2025-06-22. Review status: criteria provided, single submitter. Criteria: Myriad Autosomal Dominant, Autosomal Recessive and X-Linked Classification Criteria (2023). Collection method: clinical testing. Allele origin: unknown.
Comment: NM_001080522.2(CC2D2A):c.1073delA(K358Sfs*10) is expected to be pathogenic in the context of CC2D2A-related disorders. This variant is predicted to lead to an abnormal or absent protein product due to the creation of a premature termination codon in CC2D2A, a gene where loss-of-function variants are known to be pathogenic. Please note: this variant was assessed in the context of healthy population screening.

NM_001378615.1(CC2D2A):c.1073del (p.Lys358fs)

Genes: CC2D2A (coiled-coil and C2 domain containing 2A; plus strand), FBXL5 (F-box and leucine rich repeat protein 5; minus strand). Cytogenetic location: 4p15.32.
Variant type: Deletion.
Coding change: c.1073del on transcript NM_001378615.1 (MANE Select); coding-DNA position 1073, one base deleted (A; older notation c.1073delA).
Protein change: p.Lys358fs; shifts the reading frame from lysine 358.
Molecular consequence: frameshift variant.
Genome position (GRCh38, 1-based): chr4:15,516,680, A deleted; the last of 2 consecutive A bases (chr4:15,516,679-15,516,680); deleting either gives the same sequence. VCF-style (leftmost placement, unchanged base first): chr4-15516678-CA-C. GRCh37 (hg19) VCF-style: chr4-15518301-CA-C.
Other names: c.1073del, p.Lys358fs (NM_001080522.2); c.926del, p.Lys309fs (NM_001378617.1); short protein forms K309fs, K358fs.
Identifiers: ClinVar variation 5014630 (VCV005014630.1).
Genomic context (GRCh38, chr4:15,516,678, plus strand): 5'-TCTACAGGAAAGAAGATGGTTTGGAGATGACGGCAGGATCCTAGCTCTGCCAAACCCCAT[CA>C]AGCCATTTCCTTCAAGGCCGCCAGTACTAACACAGGAGCAGAGCATTAAGGCAGAGCTTG-3'